The following is an entry in ClinVar:

NM_000238.4(KCNH2):c.-13C>G

Gene: KCNH2 (potassium voltage-gated channel subfamily H member 2; minus strand). Cytogenetic location: 7q36.1.
Variant type: single nucleotide variant.
Coding change: c.-13C>G on transcript NM_000238.4 (MANE Select); 13 bases upstream of the start codon, C replaced by G.
Molecular consequence: 5 prime UTR variant. On other transcripts: non-coding transcript variant (1).
Genome position (GRCh38, 1-based): chr7:150,977,926, G>C on the plus strand (C>G on the coding strand, the complement: KCNH2 is on the minus strand). VCF-style: chr7-150977926-G-C. GRCh37 (hg19) VCF-style: chr7-150675014-G-C.
Other names: c.-13C>G (NM_172056.3).
Identifiers: ClinVar variation 4756382 (VCV004756382.1).

ClinVar aggregate classification (germline): Uncertain significance (1 of 4 stars; one submission).

Conditions:
Cardiac arrhythmia. Also called: Arrhythmia; Cardiac rhythm disease. Identifiers: MedGen C0003811, MONDO:0007263, HP:0011675.

gnomAD v4.1: 4 of 1,578,314 alleles (0.00025%); highest among the groups gnomAD compares: South Asian, 0.0011%; no homozygotes.

Submission:

Color Diagnostics, LLC DBA Color Health
Classification: Uncertain significance for Cardiac arrhythmia. Last evaluated: 2025-09-22. Review status: criteria provided, single submitter. Criteria: ACMG Guidelines, 2015. Collection method: clinical testing. Allele origin: germline.
Comment: This variant is located in the 5' untranslated region of the KCNH2 gene. To our knowledge, functional studies have not been reported for this variant. This variant has not been reported in individuals affected with KCNH2-related disorders in the literature. This variant has not been identified in the general population by the Genome Aggregation Database (gnomAD). The available evidence is insufficient to determine the role of this variant in disease conclusively. Therefore, this variant is classified as a Variant of Uncertain Significance.